The following is an entry in ClinVar:

ClinVar aggregate classification (germline): Pathogenic (1 of 4 stars; one submission).

Conditions:
Hereditary nonpolyposis colorectal neoplasms. Identifiers: MedGen C0009405, MeSH D003123.

Submission:

Labcorp Genetics (formerly Invitae), Labcorp
Classification: Pathogenic for Hereditary nonpolyposis colorectal neoplasms. Last evaluated: 2022-11-03. Review status: criteria provided, single submitter. Criteria: Invitae Variant Classification Sherloc (09022015). Collection method: clinical testing. Allele origin: germline.
Comment: ClinVar contains an entry for this variant (Variation ID: 411019). For these reasons, this variant has been classified as Pathogenic. This variant has not been reported in the literature in individuals affected with PMS2-related conditions. Information on the frequency of this variant in the gnomAD database is not available, as this variant may be reported differently in the database. This sequence change creates a premature translational stop signal (p.Ser260*) in the PMS2 gene. It is expected to result in an absent or disrupted protein product. Loss-of-function variants in PMS2 are known to be pathogenic (PMID: 21376568, 24362816).

Literature cited by the submitters: PubMed 21376568; PubMed 24362816.

NM_000535.7(PMS2):c.779_780delinsAG (p.Ser260Ter)

Gene: PMS2 (PMS1 homolog 2, mismatch repair system component; minus strand). Cytogenetic location: 7p22.1.
Variant type: Indel.
Coding change: c.779_780delinsAG on transcript NM_000535.7 (MANE Select); coding-DNA positions 779 to 780, CC replaced by AG.
Protein change: p.Ser260Ter; replaces serine 260 with a stop codon.
Molecular consequence: nonsense. On other transcripts: 5 prime UTR variant (2), non-coding transcript variant (1).
Genome position (GRCh38, 1-based): chr7:5,997,349-5,997,350, GG replaced by CT on the plus strand (CC replaced by AG on the coding strand, the reverse complement: PMS2 is on the minus strand). VCF-style: chr7-5997349-GG-CT. GRCh37 (hg19) VCF-style: chr7-6036980-GG-CT.
Other names: c.374_375delinsAG, p.Ser125Ter (NM_001322003.2, NM_001322004.2, NM_001322005.2 and 2 more transcripts); c.779_780delinsAG, p.Ser260Ter (NM_001322006.2, NM_001322014.2); c.461_462delinsAG, p.Ser154Ter (NM_001322007.2, NM_001322008.2); c.-155_-154delinsAG (NM_001322011.2, NM_001322012.2); c.206_207delinsAG, p.Ser69Ter (NM_001322013.2); c.470_471delinsAG, p.Ser157Ter (NM_001322015.2); short protein forms S154*, S260*, S125*, S157*, S69*.
Identifiers: ClinVar variation 411019 (VCV000411019.8), dbSNP rs730881920, ClinGen allele CA16612273.